The following is an entry in ClinVar:

ClinVar aggregate classification (germline): Likely pathogenic. Review status: criteria provided, single submitter (1 of 4 stars). 2 submissions from 2 submitters: Likely pathogenic (1). 1 of the submissions does not count toward it. Last evaluated 2022-01-28.

Conditions:
Wilson disease (WND). Also called: Wilson's disease. Identifiers: Orphanet 905, MedGen C0019202, MONDO:0010200, OMIM 277900. Disease mechanism: loss of function.

Allele frequency attached by ClinVar (database versions not stated): gnomAD exomes below 0.00001.

Submissions (2):

Women's Health and Genetics/Laboratory Corporation of America, LabCorp
Classification: Likely pathogenic for Wilson disease. Last evaluated: 2022-01-28. Review status: criteria provided, single submitter. Criteria: LabCorp Variant Classification Summary - May 2015. Collection method: clinical testing. Allele origin: germline.
Comment: Variant summary: ATP7B c.3942_3943delCA (p.Lys1315GlufsX17) results in a premature termination codon, predicted to cause a truncation of the encoded protein or absence of the protein due to nonsense mediated decay, which are commonly known mechanisms for disease. Truncations downstream of this position have been classified as pathogenic by our laboratory. The variant was absent in 249584 control chromosomes (gnomAD). c.3942_3943delCA has been reported in the literature in individuals affected with Wilson Disease (Balashova_2020). This report does not provide unequivocal conclusions about association of the variant with Wilson Disease. To our knowledge, no experimental evidence demonstrating an impact on protein function has been reported. One clinical diagnostic laboratory has submitted clinical-significance assessments for this variant to ClinVar after 2014 without evidence for independent evaluation: the variant was classified as likely pathogenic. Based on the evidence outlined above, the variant was classified as likely pathogenic.

Counsyl
Classification: Likely pathogenic for Wilson disease. Last evaluated: 2015-11-18. Review status: no assertion criteria provided. Collection method: clinical testing. Allele origin: unknown. Not counted in ClinVar's aggregate classification.

Literature cited by the submitters: PubMed 31708252 (cited by Women's Health and Genetics/Laboratory Corporation of America, LabCorp).

NM_000053.4(ATP7B):c.3942_3943del (p.Lys1315fs)

Gene: ATP7B (ATPase copper transporting beta; minus strand). Cytogenetic location: 13q14.3.
Variant type: Deletion.
Coding change: c.3942_3943del on transcript NM_000053.4 (MANE Select); coding-DNA positions 3942 to 3943, 2 bases deleted (CA; older notation c.3942_3943delCA).
Protein change: p.Lys1315fs; shifts the reading frame from lysine 1315.
Molecular consequence: frameshift variant.
Genome position (GRCh38, 1-based): chr13:51,937,354-51,937,355, TG deleted on the plus strand (CA on the coding strand, the reverse complement: ATP7B is on the minus strand). VCF-style (leftmost placement, unchanged base first): chr13-51937353-TTG-T. GRCh37 (hg19) VCF-style: chr13-52511489-TTG-T.
Other names: c.3708_3709del, p.Lys1237fs (NM_001330578.2); c.3690_3691del, p.Lys1231fs (NM_001330579.2); c.3321_3322del, p.Lys1108fs (NM_001005918.3); c.3609_3610del, p.Lys1204fs (NM_001243182.2); short protein forms K1108fs, K1204fs, K1231fs, K1237fs, K1315fs.
Identifiers: ClinVar variation 370092 (VCV000370092.4), dbSNP rs1057516227, ClinGen allele CA16041662.